The following is an entry in ClinVar:

NM_003803.4(MYOM1):c.1501G>A (p.Asp501Asn)

Gene: MYOM1 (myomesin 1; minus strand). Cytogenetic location: 18p11.31.
Variant type: single nucleotide variant.
Coding change: c.1501G>A on transcript NM_003803.4 (MANE Select); coding-DNA position 1501, G replaced by A.
Protein change: p.Asp501Asn; replaces aspartic acid 501 with asparagine.
Molecular consequence: missense variant.
Genome position (GRCh38, 1-based): chr18:3,164,278, C>T on the plus strand (G>A on the coding strand, the complement: MYOM1 is on the minus strand). VCF-style: chr18-3164278-C-T. GRCh37 (hg19) VCF-style: chr18-3164276-C-T.
Other names: c.1501G>A, p.Asp501Asn (NM_019856.2); short protein forms D501N.
Identifiers: ClinVar variation 1485309 (VCV001485309.6), dbSNP rs755826763, ClinGen allele CA8874936.

ClinVar aggregate classification (germline): Uncertain significance (1 of 4 stars; one submission).

Conditions:
Hypertrophic cardiomyopathy. Also called: HYPERTROPHIC MYOCARDIOPATHY. Identifiers: Orphanet 217569, MedGen C0007194, MeSH D002312, MONDO:0005045, HP:0001639.

Allele frequency attached by ClinVar (database versions not stated): TOPMed below 0.00001; gnomAD 0.00001; gnomAD exomes 0.00002 and 0.00003; ExAC 0.00005.
gnomAD v4.1: 21 of 1,612,006 alleles (0.0013%); highest among the groups gnomAD compares: East Asian, 0.029%; no homozygotes.

Submission:

Labcorp Genetics (formerly Invitae), Labcorp
Classification: Uncertain significance for Hypertrophic cardiomyopathy. Last evaluated: 2023-03-26. Review status: criteria provided, single submitter. Criteria: Invitae Variant Classification Sherloc (09022015). Collection method: clinical testing. Allele origin: germline.
Comment: In summary, the available evidence is currently insufficient to determine the role of this variant in disease. Therefore, it has been classified as a Variant of Uncertain Significance. Variants that disrupt the consensus splice site are a relatively common cause of aberrant splicing (PMID: 17576681, 9536098). Algorithms developed to predict the effect of sequence changes on RNA splicing suggest that this variant may disrupt the consensus splice site. An algorithm developed to predict the effect of missense changes on protein structure and function (PolyPhen-2) suggests that this variant is likely to be disruptive. ClinVar contains an entry for this variant (Variation ID: 1485309). This variant has not been reported in the literature in individuals affected with MYOM1-related conditions. This variant is present in population databases (rs755826763, gnomAD 0.004%). This sequence change replaces aspartic acid, which is acidic and polar, with asparagine, which is neutral and polar, at codon 501 of the MYOM1 protein (p.Asp501Asn). This variant also falls at the last nucleotide of exon 10, which is part of the consensus splice site for this exon.

Literature cited by the submitters: PubMed 17576681; PubMed 9536098.